The following is an entry in ClinVar:

ClinVar aggregate classification (germline): Pathogenic/Likely pathogenic. Review status: criteria provided, multiple submitters, no conflicts (2 of 4 stars). 5 submissions from 5 submitters: Pathogenic (4); Likely pathogenic (1). Last evaluated 2025-12-23.

Conditions:
Hereditary cancer-predisposing syndrome. Also called: Hereditary Cancer Syndrome; Neoplastic Syndromes, Hereditary; Hereditary neoplastic syndrome; Tumor predisposition. Identifiers: Orphanet 140162, MedGen C0027672, MeSH D009386, MONDO:0015356.
Familial adenomatous polyposis 1 (FAP1). Also called: FAMILIAL ADENOMATOUS POLYPOSIS 1, ATTENUATED; POLYPOSIS, ADENOMATOUS INTESTINAL. Identifiers: MedGen C2713442, MONDO:0021056, OMIM 175100. Disease mechanism: loss of function.

Submissions (5):

Labcorp Genetics (formerly Invitae), Labcorp
Classification: Pathogenic for Familial adenomatous polyposis 1. Last evaluated: 2025-12-23. Review status: criteria provided, single submitter. Criteria: Invitae Variant Classification Sherloc (09022015). Collection method: clinical testing. Allele origin: germline.
Comment: This sequence change creates a premature translational stop signal (p.Gln1095*) in the APC gene. While this is not anticipated to result in nonsense mediated decay, it is expected to disrupt the last 1749 amino acid(s) of the APC protein. This variant is not present in population databases (gnomAD no frequency). This premature translational stop signal has been observed in individual(s) with familial adenomatous polyposis (FAP) (PMID: 20685668). ClinVar contains an entry for this variant (Variation ID: 1330074). This variant is expected to disrupt the EB1 and HDLG binding sites, which mediate interactions with the cytoskeleton (PMID: 15311282, 17293347). While functional studies have not been performed to directly test the effect on APC protein function, this suggests that disruption of the C-terminal portion of the protein is functionally important. A different truncation (p.Tyr2645Lysfs*14) that lies downstream of this variant has been determined to be pathogenic (PMID: 9824584, 1316610, 27081525, 8381579, 22135120, internal data). This suggests that deletion of this region of the APC protein is causative of disease. For these reasons, this variant has been classified as Pathogenic.

GeneDx
Classification: Likely pathogenic. Last evaluated: 2024-02-02. Review status: criteria provided, single submitter. Criteria: GeneDx Variant Classification Process June 2021. Collection method: clinical testing. Allele origin: germline.
Comment: Nonsense variant predicted to result in protein truncation in a gene for which loss of function is a known mechanism of disease; Not observed at significant frequency in large population cohorts (gnomAD); Reported in the mosaic state in an individual with multiple adenomas (PMID: 26613750); This variant is associated with the following publications: (PMID: 18846667, 26613750)

Myriad Genetics, Inc.
Classification: Pathogenic for Familial adenomatous polyposis 1. Last evaluated: 2023-05-08. Review status: criteria provided, single submitter. Criteria: Myriad Autosomal Dominant, Autosomal Recessive and X-Linked Classification Criteria (2023). Collection method: clinical testing. Allele origin: unknown.
Comment: This variant is considered pathogenic. This variant creates a termination codon and is predicted to result in premature protein truncation.

Ambry Genetics
Classification: Pathogenic for Hereditary cancer-predisposing syndrome. Last evaluated: 2022-09-30. Review status: criteria provided, single submitter. Criteria: Ambry Variant Classification Scheme 2023. Collection method: clinical testing. Allele origin: germline.
Comment: The p.Q1095* pathogenic mutation (also known as c.3283C>T), located in coding exon 15 of the APC gene, results from a C to T substitution at nucleotide position 3283. This changes the amino acid from a glutamine to a stop codon within coding exon 15. This alteration occurs at the 3' terminus of theAPC gene, is not expected to trigger nonsense-mediated mRNA decay, and impacts the last 1749 amino acids of the protein. However, premature stop codons are typically deleterious in nature and a significant portion of the protein is affected (Ambry internal data). This alteration has been observed in several individuals with colonic polyposis (Lagarde A et al. J Med Genet. 2010 Oct;47:721-2; Findlen UM et al. Anticancer Res. 2021 Mar;41:1439-1444; Ambry internal data). This variant is considered to be rare based on population cohorts in the Genome Aggregation Database (gnomAD). Based on the supporting evidence, this alteration is interpreted as a disease-causing mutation.

Quest Diagnostics Nichols Institute San Juan Capistrano
Classification: Pathogenic. Last evaluated: 2021-02-05. Review status: criteria provided, single submitter. Criteria: Quest Diagnostics criteria. Collection method: clinical testing. Allele origin: unknown.
Comment: This nonsense variant causes the premature termination of APC protein synthesis. It has been reported in a symptomatic patient with colorectal adenomatous polyposis in the published literature (PMID: 26613750 (2016)). This variant has not been reported in large, multi-ethnic general populations. Based on the available information, the variant is classified as pathogenic.

Literature cited by the submitters: PubMed 20685668 (cited by Labcorp Genetics (formerly Invitae), Labcorp and Ambry Genetics); PubMed 15311282 (cited by Labcorp Genetics (formerly Invitae), Labcorp); PubMed 17293347 (cited by Labcorp Genetics (formerly Invitae), Labcorp); PubMed 9824584 (cited by Labcorp Genetics (formerly Invitae), Labcorp); PubMed 1316610 (cited by Labcorp Genetics (formerly Invitae), Labcorp); PubMed 27081525 (cited by Labcorp Genetics (formerly Invitae), Labcorp); PubMed 8381579 (cited by Labcorp Genetics (formerly Invitae), Labcorp); PubMed 22135120 (cited by Labcorp Genetics (formerly Invitae), Labcorp); PubMed 33788735 (cited by Ambry Genetics); PubMed 26613750 (cited by Quest Diagnostics Nichols Institute San Juan Capistrano).

NM_000038.6(APC):c.3283C>T (p.Gln1095Ter)

Gene: APC (APC regulator of Wnt signaling pathway; plus strand). Cytogenetic location: 5q22.2.
Variant type: single nucleotide variant.
Coding change: c.3283C>T on transcript NM_000038.6 (MANE Select); coding-DNA position 3283, C replaced by T.
Protein change: p.Gln1095Ter; replaces glutamine 1095 with a stop codon.
Molecular consequence: nonsense.
Genome position (GRCh38, 1-based): chr5:112,838,877, C>T. VCF-style: chr5-112838877-C-T. GRCh37 (hg19) VCF-style: chr5-112174574-C-T.
Other names: c.3283C>T, p.Gln1095Ter (NM_001127510.3, NM_001354895.2); c.3229C>T, p.Gln1077Ter (NM_001127511.3); c.3337C>T, p.Gln1113Ter (NM_001354896.2); c.3313C>T, p.Gln1105Ter (NM_001354897.2); c.3208C>T, p.Gln1070Ter (NM_001354898.2); c.3199C>T, p.Gln1067Ter (NM_001354899.2); c.3160C>T, p.Gln1054Ter (NM_001354900.2); c.3106C>T, p.Gln1036Ter (NM_001354901.2); and 5 more; short protein forms Q1004*, Q1036*, Q1054*, Q1067*, Q1070*, Q1077*, Q1095*, Q1105*.
Identifiers: ClinVar variation 1330074 (VCV001330074.15), dbSNP rs2149888710, ClinGen allele CA16028541.
Genomic context (GRCh38, chr5:112,838,877, plus strand): 5'-TATCCTGTTTATACTGAGAGCACTGATGATAAACACCTCAAGTTCCAACCACATTTTGGA[C>T]AGCAGGAATGTGTTTCTCCATACAGGTCACGGGGAGCCAATGGTTCAGAAACAAATCGAG-3'